The following is an entry in ClinVar:

NM_000283.4(PDE6B):c.1401+8G>A

Gene: PDE6B (phosphodiesterase 6B; plus strand). Cytogenetic location: 4p16.3.
Variant type: single nucleotide variant.
Coding change: c.1401+8G>A on transcript NM_000283.4 (MANE Select); 8 bases into the intron after coding-DNA position 1401, G replaced by A.
Molecular consequence: intron variant.
Genome position (GRCh38, 1-based): chr4:657,502, G>A. VCF-style: chr4-657502-G-A. GRCh37 (hg19) VCF-style: chr4-651291-G-A.
Other names: c.1401+8G>A (NM_001145291.2); c.564+8G>A (NM_001379246.1, NM_001379247.1, NM_001145292.2 and 1 more transcripts); c.246+8G>A (NM_001350155.3).
Identifiers: ClinVar variation 936420 (VCV000936420.10), dbSNP rs531652183, ClinGen allele CA2794478.

ClinVar aggregate classification (germline): Likely benign. Review status: criteria provided, multiple submitters, no conflicts (2 of 4 stars). 2 submissions from 2 submitters: Likely benign (2). Last evaluated 2025-10-31.

Conditions:
PDE6B-related disorder. Also called: PDE6B-related disorders; PDE6B-related disease; PDE6B-related condition.

Allele frequency attached by ClinVar (database versions not stated): gnomAD 0.00002; ExAC 0.00004; TOPMed 0.00004; 1000 Genomes Project 0.00359.
gnomAD v4.1: 43 of 1,462,114 alleles (0.0029%); highest among the groups gnomAD compares: East Asian, 0.0067%; no homozygotes.

Submissions (2):

PreventionGenetics, part of Exact Sciences
Classification: Likely benign for PDE6B-related condition. Last evaluated: 2025-10-31. Review status: criteria provided, single submitter. Criteria: ACMG Guidelines, 2015. Collection method: clinical testing. Allele origin: germline.
Comment: This variant is classified as likely benign based on ACMG/AMP sequence variant interpretation guidelines (Richards et al. 2015 PMID: 25741868, with internal and published modifications).

Labcorp Genetics (formerly Invitae), Labcorp
Classification: Likely benign. Last evaluated: 2025-10-15. Review status: criteria provided, single submitter. Criteria: Invitae Variant Classification Sherloc (09022015). Collection method: clinical testing. Allele origin: germline.